The following is an entry in ClinVar:

NM_000632.4(ITGAM):c.795C>T (p.Pro265=)

Genes: ITGAM (integrin subunit alpha M; plus strand), LOC126862332 (BRD4-independent group 4 enhancer GRCh37_chr16:31284654-31285853; plus strand). Cytogenetic location: 16p11.2.
Variant type: single nucleotide variant.
Coding change: c.795C>T on transcript NM_000632.4 (MANE Select); coding-DNA position 795, C replaced by T.
Protein change: p.Pro265=; no amino-acid change (proline 265 retained).
Molecular consequence: synonymous variant.
Genome position (GRCh38, 1-based): chr16:31,273,455, C>T. VCF-style: chr16-31273455-C-T. GRCh37 (hg19) VCF-style: chr16-31284776-C-T.
Other names: c.795C>T, p.Pro265= (NM_001145808.2).
Identifiers: ClinVar variation 3055598 (VCV003055598.2), dbSNP rs2079874093, ClinGen allele CA494710933.

ClinVar aggregate classification (germline): Likely benign (0 of 4 stars; one submission).

Conditions:
ITGAM-related disorder. Also called: ITGAM-related condition.

Submission:

PreventionGenetics, part of Exact Sciences
Classification: Likely benign for ITGAM-related condition. Last evaluated: 2023-05-30. Review status: no assertion criteria provided. Collection method: clinical testing. Allele origin: germline.
Comment: This variant is classified as likely benign based on ACMG/AMP sequence variant interpretation guidelines (Richards et al. 2015 PMID: 25741868, with internal and published modifications).